The following is an entry in ClinVar:

NM_000135.4(FANCA):c.3607G>T (p.Gly1203Cys)

Gene: FANCA (FA complementation group A; minus strand). Cytogenetic location: 16q24.3.
Variant type: single nucleotide variant.
Coding change: c.3607G>T on transcript NM_000135.4 (MANE Select); coding-DNA position 3607, G replaced by T.
Protein change: p.Gly1203Cys; replaces glycine 1203 with cysteine.
Molecular consequence: missense variant.
Genome position (GRCh38, 1-based): chr16:89,744,978, C>A on the plus strand (G>T on the coding strand, the complement: FANCA is on the minus strand). VCF-style: chr16-89744978-C-A. GRCh37 (hg19) VCF-style: chr16-89811386-C-A.
Other names: c.3607G>T, p.Gly1203Cys (NM_001286167.3); short protein forms G1203C.
Identifiers: ClinVar variation 3848226 (VCV003848226.1).
Genomic context (GRCh38, chr16:89,744,978, plus strand): 5'-GCATCTGGGCGGGCACACCCCATCTCACCACCCACACGTACTCGCTGGCAAACTGCCGGC[C>A]TTCTTGTAGCTTCTGCAGTTCCCGGGGCAGCGGGCTCTGGCAGTGTCTCCTCCACCGGCA-3'
Protein context (NP_000126.2, residues 1193-1213): LPRELQKLQE[Gly1203Cys]RQFASDFLSP

ClinVar aggregate classification (germline): Uncertain significance (1 of 4 stars; one submission).

Conditions:
Inborn genetic diseases. Identifiers: MedGen C0950123, MeSH D030342.

Submission:

Ambry Genetics
Classification: Uncertain significance for Inborn genetic diseases. Last evaluated: 2025-02-12. Review status: criteria provided, single submitter. Criteria: Ambry Variant Classification Scheme 2023. Collection method: clinical testing. Allele origin: germline.
Comment: The p.G1203C variant (also known as c.3607G>T), located in coding exon 36 of the FANCA gene, results from a G to T substitution at nucleotide position 3607. The glycine at codon 1203 is replaced by cysteine, an amino acid with highly dissimilar properties. This amino acid position is conserved. In addition, this alteration is predicted to be tolerated by in silico analysis. Based on the available evidence, the clinical significance of this variant remains unclear.